The following is an entry in ClinVar:

ClinVar aggregate classification (germline): Uncertain significance. Review status: criteria provided, multiple submitters, no conflicts (2 of 4 stars). 2 submissions from 2 submitters: Uncertain significance (2). Last evaluated 2025-03-01.

Conditions:
Inborn genetic diseases. Identifiers: MedGen C0950123, MeSH D030342.
Monocytopenia with susceptibility to infections. Also called: MONOCYTOPENIA AND MYCOBACTERIAL INFECTION SYNDROME; MONOCYTOPENIA WITH SUSCEPTIBILITY TO MYCOBACTERIAL, FUNGAL, AND PAPILLOMAVIRUS INFECTIONS AND MYELODYSPLASIA; COMBINED IMMUNODEFICIENCY WITH SUSCEPTIBILITY TO MYCOBACTERIAL, VIRAL, AND FUNGAL INFECTIONS; Dendritic cell, monocyte, B lymphocyte, and natural killer lymphocyte deficiency; IMMUNODEFICIENCY 21; GATA2 DEFICIENCY. Identifiers: Orphanet 228423, MedGen C3280030, MONDO:0013607, OMIM 614172.
Deafness-lymphedema-leukemia syndrome. Also called: Lymphedema, primary, with myelodysplasia; Emberger syndrome. Identifiers: Orphanet 3226, MedGen C3279664, MONDO:0013540, OMIM 614038.

Allele frequency attached by ClinVar (database versions not stated): gnomAD exomes below 0.00001.

Submissions (2):

Ambry Genetics
Classification: Uncertain significance for Inborn genetic diseases. Last evaluated: 2025-03-01. Review status: criteria provided, single submitter. Criteria: Ambry Variant Classification Scheme 2023. Collection method: clinical testing. Allele origin: germline.
Comment: The p.S262G variant (also known as c.784A>G), located in coding exon 2 of the GATA2 gene, results from an A to G substitution at nucleotide position 784. The serine at codon 262 is replaced by glycine, an amino acid with similar properties. This amino acid position is conserved. In addition, this alteration is predicted to be tolerated by in silico analysis. Based on the available evidence, the clinical significance of this variant remains unclear.

Labcorp Genetics (formerly Invitae), Labcorp
Classification: Uncertain significance for Monocytopenia with susceptibility to infections; Deafness-lymphedema-leukemia syndrome. Last evaluated: 2023-04-28. Review status: criteria provided, single submitter. Criteria: Invitae Variant Classification Sherloc (09022015). Collection method: clinical testing. Allele origin: germline.
Comment: In summary, the available evidence is currently insufficient to determine the role of this variant in disease. Therefore, it has been classified as a Variant of Uncertain Significance. Advanced modeling of protein sequence and biophysical properties (such as structural, functional, and spatial information, amino acid conservation, physicochemical variation, residue mobility, and thermodynamic stability) performed at Invitae indicates that this missense variant is not expected to disrupt GATA2 protein function. This variant has not been reported in the literature in individuals affected with GATA2-related conditions. This variant is not present in population databases (gnomAD no frequency). This sequence change replaces serine, which is neutral and polar, with glycine, which is neutral and non-polar, at codon 262 of the GATA2 protein (p.Ser262Gly).

NM_032638.5(GATA2):c.784A>G (p.Ser262Gly)

Gene: GATA2 (GATA binding protein 2; minus strand). Cytogenetic location: 3q21.3.
Variant type: single nucleotide variant.
Coding change: c.784A>G on transcript NM_032638.5 (MANE Select); coding-DNA position 784, A replaced by G.
Protein change: p.Ser262Gly; replaces serine 262 with glycine.
Molecular consequence: missense variant.
Genome position (GRCh38, 1-based): chr3:128,485,814, T>C on the plus strand (A>G on the coding strand, the complement: GATA2 is on the minus strand). VCF-style: chr3-128485814-T-C. GRCh37 (hg19) VCF-style: chr3-128204657-T-C.
Other names: c.784A>G, p.Ser262Gly (NM_001145661.2, NM_001145662.1); short protein forms S262G.
Identifiers: ClinVar variation 2935307 (VCV002935307.4), dbSNP rs2472929977, ClinGen allele CA354405926.
Genomic context (GRCh38, chr3:128,485,814, plus strand): 5'-GCTTAGGGGTGAAGCTGGAGGCCGGTCCCCCCAGGAAGCCTCCGGGGTGGAAGAGTCCGC[T>C]GCTGTAGTCGTGGGCAGCCGCCGGCACATAGGAGGGGTAGGTGGGGATGGGGTGGTGTGT-3'
Protein context (NP_116027.2, residues 252-272): YVPAAAHDYS[Ser262Gly]GLFHPGGFLG